The following is an entry in ClinVar:

NM_012213.3(MLYCD):c.1004C>A (p.Thr335Asn)

Gene: MLYCD (malonyl-CoA decarboxylase; plus strand). Cytogenetic location: 16q23.3.
Variant type: single nucleotide variant.
Coding change: c.1004C>A on transcript NM_012213.3 (MANE Select); coding-DNA position 1004, C replaced by A.
Protein change: p.Thr335Asn; replaces threonine 335 with asparagine.
Molecular consequence: missense variant.
Genome position (GRCh38, 1-based): chr16:83,915,011, C>A. VCF-style: chr16-83915011-C-A. GRCh37 (hg19) VCF-style: chr16-83948616-C-A.
Other names: short protein forms T335N.
Identifiers: ClinVar variation 1183295 (VCV001183295.4), dbSNP rs76060070, ClinGen allele CA8197482.

ClinVar aggregate classification (germline): Conflicting classifications of pathogenicity. Review status: criteria provided, conflicting classifications (1 of 4 stars). 2 submissions from 2 submitters: Uncertain significance (1); Benign (1). Last evaluated 2022-10-09.

Conditions:
Deficiency of malonyl-CoA decarboxylase. Also called: Malonic aciduria; MCD deficiency. Identifiers: Orphanet 943, MedGen C0342793, MONDO:0009556, OMIM 248360.

Allele frequency attached by ClinVar (database versions not stated): gnomAD 0.00002 and 0.00003; gnomAD exomes 0.00002 and 0.00004; TOPMed 0.00002; ExAC 0.00006; ESP Exome Variant Server 0.00017.
gnomAD v4.1: 32 of 1,614,104 alleles (0.002%); highest among the groups gnomAD compares: Non-Finnish European, 0.0025%; no homozygotes.

Submissions (2):

Labcorp Genetics (formerly Invitae), Labcorp
Classification: Uncertain significance for Deficiency of malonyl-CoA decarboxylase. Last evaluated: 2022-10-09. Review status: criteria provided, single submitter. Criteria: Invitae Variant Classification Sherloc (09022015). Collection method: clinical testing. Allele origin: germline.
Comment: This sequence change replaces threonine, which is neutral and polar, with asparagine, which is neutral and polar, at codon 335 of the MLYCD protein (p.Thr335Asn). This variant is present in population databases (rs76060070, gnomAD 0.009%). This variant has not been reported in the literature in individuals affected with MLYCD-related conditions. ClinVar contains an entry for this variant (Variation ID: 1183295). Algorithms developed to predict the effect of missense changes on protein structure and function are either unavailable or do not agree on the potential impact of this missense change (SIFT: "Tolerated"; PolyPhen-2: "Possibly Damaging"; Align-GVGD: "Class C0"). In summary, the available evidence is currently insufficient to determine the role of this variant in disease. Therefore, it has been classified as a Variant of Uncertain Significance.

GeneDx
Classification: Benign. Last evaluated: 2015-03-03. Review status: criteria provided, single submitter. Criteria: GeneDx Variant Classification Process June 2021. Collection method: clinical testing. Allele origin: germline. Affected: yes.